The following is an entry in ClinVar:

NM_000334.4(SCN4A):c.3798G>C (p.Glu1266Asp)

Genes: GH-LCR (growth hormone locus control region; plus strand), SCN4A (sodium voltage-gated channel alpha subunit 4; minus strand). Cytogenetic location: 17q23.3.
Variant type: single nucleotide variant.
Coding change: c.3798G>C on transcript NM_000334.4 (MANE Select); coding-DNA position 3798, G replaced by C.
Protein change: p.Glu1266Asp; replaces glutamic acid 1266 with aspartic acid.
Molecular consequence: missense variant.
Genome position (GRCh38, 1-based): chr17:63,944,787, C>G on the plus strand (G>C on the coding strand, the complement: SCN4A is on the minus strand). VCF-style: chr17-63944787-C-G. GRCh37 (hg19) VCF-style: chr17-62022147-C-G.
Other names: short protein forms E1266D.
Identifiers: ClinVar variation 2573174 (VCV002573174.1), dbSNP rs2509289236, ClinGen allele CA400617467.

ClinVar aggregate classification (germline): Likely pathogenic (1 of 4 stars; one submission).

Conditions:
Congenital myopathy 22B, severe fetal (CMYO22B). Identifiers: MedGen C5830501, MONDO:0957265, OMIM 620369.

Allele frequency attached by ClinVar (database versions not stated): gnomAD exomes below 0.00001.
gnomAD v4.1: 2 of 1,613,850 alleles (0.00012%); highest among the groups gnomAD compares: Middle Eastern, 0.016%; no homozygotes.

Submission:

Cytogenetics and Genomics Lab, Cyprus Institute Of Neurology and Genetics
Classification: Likely pathogenic for Congenital myopathy 22B, severe fetal. Last evaluated: 2023-07-17. Review status: criteria provided, single submitter. Criteria: ACGS Guidelines, 2020. Collection method: research. Allele origin: maternal. Affected: yes.
Comment: The variant is absent form gnomAD population database. Computational tools classify this change as strong pathogenic. The patient's phenotype is also highly specific for Congenital Myopathy 22B, severe fetal as proposed by Zaharieva et al.,2016).